The following is an entry in ClinVar:

ClinVar aggregate classification (germline): Uncertain significance. Review status: criteria provided, multiple submitters, no conflicts (2 of 4 stars). 3 submissions from 3 submitters: Uncertain significance (3). Last evaluated 2025-02-02.

Conditions:
Cardiovascular phenotype. Identifiers: MedGen CN230736.
RASopathy. Also called: rasopathies; Noonan spectrum disorder. Identifiers: Orphanet 536391, MedGen C5555857, MONDO:0021060.

Allele frequency attached by ClinVar (database versions not stated): gnomAD exomes below 0.00001.
gnomAD v4.1: 1 of 1,613,886 alleles (0.000062%); highest among the groups gnomAD compares: Non-Finnish European, 0.000085%; no homozygotes.

Submissions (3):

Ambry Genetics
Classification: Uncertain significance for Cardiovascular phenotype. Last evaluated: 2025-02-02. Review status: criteria provided, single submitter. Criteria: Ambry Variant Classification Scheme 2023. Collection method: clinical testing. Allele origin: germline.
Comment: The p.I664T variant (also known as c.1991T>C), located in coding exon 12 of the CBL gene, results from a T to C substitution at nucleotide position 1991. The isoleucine at codon 664 is replaced by threonine, an amino acid with similar properties. This amino acid position is conserved. In addition, the in silico prediction for this alteration is inconclusive. Based on the available evidence, the clinical significance of this variant remains unclear.

Labcorp Genetics (formerly Invitae), Labcorp
Classification: Uncertain significance for RASopathy. Last evaluated: 2022-07-13. Review status: criteria provided, single submitter. Criteria: Invitae Variant Classification Sherloc (09022015). Collection method: clinical testing. Allele origin: germline.
Comment: In summary, the available evidence is currently insufficient to determine the role of this variant in disease. Therefore, it has been classified as a Variant of Uncertain Significance. This sequence change replaces isoleucine, which is neutral and non-polar, with threonine, which is neutral and polar, at codon 664 of the CBL protein (p.Ile664Thr). This variant is not present in population databases (gnomAD no frequency). This variant has not been reported in the literature in individuals affected with CBL-related conditions. ClinVar contains an entry for this variant (Variation ID: 40416). Advanced modeling of protein sequence and biophysical properties (such as structural, functional, and spatial information, amino acid conservation, physicochemical variation, residue mobility, and thermodynamic stability) performed at Invitae indicates that this missense variant is not expected to disrupt CBL protein function.

GeneDx
Classification: Uncertain significance. Last evaluated: 2012-11-12. Review status: criteria provided, single submitter. Criteria: GeneDx Variant Classification (06012015). Collection method: clinical testing. Allele origin: germline. Affected: yes.
Comment: This variant is denoted p.Ile664Thr at the protein level, c.1991 T>C at the cDNA level, and results in a change of an Isoleucine for a Threonine (ATC>ACC) in exon 12 of the CBL gene (NM_005188.2). The I664T missense change in the CBL gene has not been reported as a disease-causing mutation or as a benign polymorphism to our knowledge. The I664T amino acid substitution is non-conservative with a non-polar residue (Ile) being replaced by a polar residue (Thr). The NHLBI ESP Exome Variant Server reports that I664T was not observed in approximately 6,000 individuals of European and African American backgrounds, indicating it is not a common benign variant in these populations. The I664T missense change is located within a proline-rich region of CBL (Martinelli et al., 2010), however the residue at which this substitution occurs is not highly evolutionarily conserved. Therefore, the I664T missense change in the CBL gene is interpreted to be a variant of unknown significance. The variant is found in NOONAN panel(s).

NM_005188.4(CBL):c.1991T>C (p.Ile664Thr)

Gene: CBL (Cbl proto-oncogene; plus strand). Cytogenetic location: 11q23.3.
Variant type: single nucleotide variant.
Coding change: c.1991T>C on transcript NM_005188.4 (MANE Select); coding-DNA position 1991, T replaced by C.
Protein change: p.Ile664Thr; replaces isoleucine 664 with threonine.
Molecular consequence: missense variant.
Genome position (GRCh38, 1-based): chr11:119,287,901, T>C. VCF-style: chr11-119287901-T-C. GRCh37 (hg19) VCF-style: chr11-119158611-T-C.
Other names: p.I664T:ATC>ACC; short protein forms I664T.
Identifiers: ClinVar variation 40416 (VCV000040416.7), dbSNP rs397507496, ClinGen allele CA282040.